The following is an entry in ClinVar:

NM_006302.3(MOGS):c.20G>A (p.Arg7Gln)

Gene: MOGS (mannosyl-oligosaccharide glucosidase; minus strand). Cytogenetic location: 2p13.1.
Variant type: single nucleotide variant.
Coding change: c.20G>A on transcript NM_006302.3 (MANE Select); coding-DNA position 20, G replaced by A.
Protein change: p.Arg7Gln; replaces arginine 7 with glutamine.
Molecular consequence: missense variant. On other transcripts: intron variant (1).
Genome position (GRCh38, 1-based): chr2:74,465,228, C>T on the plus strand (G>A on the coding strand, the complement: MOGS is on the minus strand). VCF-style: chr2-74465228-C-T. GRCh37 (hg19) VCF-style: chr2-74692355-C-T.
Other names: c.-59+86G>A (NM_001146158.2); short protein forms R7Q.
Identifiers: ClinVar variation 1497784 (VCV001497784.7), dbSNP rs534041573, ClinGen allele CA1725131.

ClinVar aggregate classification (germline): Uncertain significance (1 of 4 stars; one submission).

Conditions:
MOGS-congenital disorder of glycosylation. Also called: MOGS-CDG; GLUCOSIDASE I DEFICIENCY; CDG IIb; CDG 2B. Identifiers: Orphanet 79330, MedGen C1853736, MONDO:0011629, OMIM 606056.

Allele frequency attached by ClinVar (database versions not stated): TOPMed below 0.00001; gnomAD 0.00001 and 0.00002; ExAC 0.00005; 1000 Genomes Project 30x 0.00016; 1000 Genomes Project 0.00020.
gnomAD v4.1: 22 of 1,446,988 alleles (0.0015%); highest among the groups gnomAD compares: South Asian, 0.022%; no homozygotes.

Submission:

Labcorp Genetics (formerly Invitae), Labcorp
Classification: Uncertain significance for MOGS-congenital disorder of glycosylation. Last evaluated: 2024-11-18. Review status: criteria provided, single submitter. Criteria: Invitae Variant Classification Sherloc (09022015). Collection method: clinical testing. Allele origin: germline.
Comment: This sequence change replaces arginine, which is basic and polar, with glutamine, which is neutral and polar, at codon 7 of the MOGS protein (p.Arg7Gln). The frequency data for this variant in the population databases is considered unreliable, as metrics indicate poor data quality at this position in the gnomAD database. This variant has not been reported in the literature in individuals affected with MOGS-related conditions. ClinVar contains an entry for this variant (Variation ID: 1497784). An algorithm developed to predict the effect of missense changes on protein structure and function (PolyPhen-2) suggests that this variant is likely to be tolerated. In summary, the available evidence is currently insufficient to determine the role of this variant in disease. Therefore, it has been classified as a Variant of Uncertain Significance.